The following is an entry in ClinVar:

ClinVar aggregate classification (germline): Uncertain significance (1 of 4 stars; one submission).

Allele frequency attached by ClinVar (database versions not stated): ExAC 0.00001; gnomAD 0.00001; gnomAD exomes 0.00001; TOPMed 0.00001.
gnomAD v4.1: 6 of 1,613,000 alleles (0.00037%); highest among the groups gnomAD compares: Non-Finnish European, 0.00051%; no homozygotes.

Submission:

Labcorp Genetics (formerly Invitae), Labcorp
Classification: Uncertain significance. Last evaluated: 2022-06-05. Review status: criteria provided, single submitter. Criteria: Invitae Variant Classification Sherloc (09022015). Collection method: clinical testing. Allele origin: germline.
Comment: This sequence change affects codon 72 of the DSG4 mRNA. It is a 'silent' change, meaning that it does not change the encoded amino acid sequence of the DSG4 protein. It affects a nucleotide within the consensus splice site. This variant is present in population databases (rs778441344, gnomAD 0.003%). This variant has not been reported in the literature in individuals affected with DSG4-related conditions. Algorithms developed to predict the effect of sequence changes on RNA splicing suggest that this variant is not likely to affect RNA splicing. In summary, the available evidence is currently insufficient to determine the role of this variant in disease. Therefore, it has been classified as a Variant of Uncertain Significance.

NM_177986.5(DSG4):c.216A>G (p.Lys72=)

Genes: DSG1-AS1 (DSG1 antisense RNA 1; minus strand), DSG4 (desmoglein 4; plus strand). Cytogenetic location: 18q12.1.
Variant type: single nucleotide variant.
Coding change: c.216A>G on transcript NM_177986.5 (MANE Select); coding-DNA position 216, A replaced by G.
Protein change: p.Lys72=; no amino-acid change (lysine 72 retained).
Molecular consequence: synonymous variant.
Genome position (GRCh38, 1-based): chr18:31,386,819, A>G. VCF-style: chr18-31386819-A-G. GRCh37 (hg19) VCF-style: chr18-28966782-A-G.
Other names: c.216A>G, p.Lys72= (NM_001134453.3).
Identifiers: ClinVar variation 2420482 (VCV002420482.7), dbSNP rs778441344, ClinGen allele CA8926634.